The following is an entry in ClinVar:

ClinVar aggregate classification (germline): Uncertain significance. Review status: criteria provided, multiple submitters, no conflicts (2 of 4 stars). 3 submissions from 3 submitters: Uncertain significance (2). 1 of the submissions does not count toward it. Last evaluated 2023-11-28.

Conditions:
Leber congenital amaurosis (LCA). Also called: Leber's amaurosis. Identifiers: Orphanet 65, MedGen C0339527, MeSH D057130, MONDO:0018998.
Retinitis pigmentosa 20 (RP20). Identifiers: Orphanet 791, MedGen C3151086, MONDO:0013425, OMIM 613794.
Leber congenital amaurosis 2 (LCA2). Also called: Autosomal Recessive RPE65-Related Retinal Degeneration; AMAUROSIS CONGENITA OF LEBER II. Identifiers: Orphanet 65, MedGen C1859844, MONDO:0008765, OMIM 204100. Disease mechanism: loss of function.

Allele frequency attached by ClinVar (database versions not stated): gnomAD exomes below 0.00001 and 0.00001; TOPMed below 0.00001; ExAC 0.00001.
gnomAD v4.1: 5 of 1,613,744 alleles (0.00031%); highest among the groups gnomAD compares: Admixed American, 0.0017%; no homozygotes.

Submissions (3):

Blueprint Genetics
Classification: Uncertain significance. Last evaluated: 2023-11-28. Review status: criteria provided, single submitter. Criteria: ACMG Guidelines, 2015. Collection method: clinical testing. Allele origin: germline.

Labcorp Genetics (formerly Invitae), Labcorp
Classification: Uncertain significance for Leber congenital amaurosis 2; Retinitis pigmentosa 20. Last evaluated: 2022-07-19. Review status: criteria provided, single submitter. Criteria: Invitae Variant Classification Sherloc (09022015). Collection method: clinical testing. Allele origin: germline.
Comment: This sequence change replaces asparagine, which is neutral and polar, with serine, which is neutral and polar, at codon 345 of the RPE65 protein (p.Asn345Ser). This variant is present in population databases (rs769440649, gnomAD 0.003%). This missense change has been observed in individual(s) with retinal disease (Invitae). ClinVar contains an entry for this variant (Variation ID: 969704). Algorithms developed to predict the effect of missense changes on protein structure and function are either unavailable or do not agree on the potential impact of this missense change (SIFT: "Deleterious"; PolyPhen-2: "Benign"; Align-GVGD: "Class C0"). In summary, the available evidence is currently insufficient to determine the role of this variant in disease. Therefore, it has been classified as a Variant of Uncertain Significance.

Natera, Inc.
Classification: Uncertain significance for Leber congenital amaurosis. Last evaluated: 2020-07-10. Review status: no assertion criteria provided. Collection method: clinical testing. Allele origin: germline. Not counted in ClinVar's aggregate classification.

NM_000329.3(RPE65):c.1034A>G (p.Asn345Ser)

Gene: RPE65 (retinoid isomerohydrolase RPE65; minus strand). Cytogenetic location: 1p31.3.
Variant type: single nucleotide variant.
Coding change: c.1034A>G on transcript NM_000329.3 (MANE Select); coding-DNA position 1034, A replaced by G.
Protein change: p.Asn345Ser; replaces asparagine 345 with serine.
Molecular consequence: missense variant.
Genome position (GRCh38, 1-based): chr1:68,438,281, T>C on the plus strand (A>G on the coding strand, the complement: RPE65 is on the minus strand). VCF-style: chr1-68438281-T-C. GRCh37 (hg19) VCF-style: chr1-68903964-T-C.
Other names: short protein forms N345S.
Identifiers: ClinVar variation 969704 (VCV000969704.8), dbSNP rs769440649, ClinGen allele CA902310.